The following is an entry in ClinVar:

NM_001171.6(ABCC6):c.1674del (p.Glu559fs)

Gene: ABCC6 (ATP binding cassette subfamily C member 6; minus strand). Cytogenetic location: 16p13.11.
Variant type: Deletion.
Coding change: c.1674del on transcript NM_001171.6 (MANE Select); coding-DNA position 1674, one base deleted (C; older notation c.1674delC).
Protein change: p.Glu559fs; shifts the reading frame from glutamic acid 559.
Molecular consequence: frameshift variant. On other transcripts: non-coding transcript variant (1).
Genome position (GRCh38, 1-based): chr16:16,188,936, G deleted on the plus strand (C on the coding strand, the reverse complement: ABCC6 is on the minus strand); the first of 2 consecutive G bases (chr16:16,188,936-16,188,937); deleting either gives the same sequence. VCF-style (leftmost placement, unchanged base first): chr16-16188935-CG-C. GRCh37 (hg19) VCF-style: chr16-16282792-CG-C.
Other names: c.1674delC (NM_001171.5); c.1332del, p.Glu445fs (NM_001351800.1); short protein forms E559fs, E445fs.
Identifiers: ClinVar variation 433430 (VCV000433430.9), dbSNP rs1313008538, ClinGen allele CA394889441.

ClinVar aggregate classification (germline): Pathogenic/Likely pathogenic. Review status: criteria provided, multiple submitters, no conflicts (2 of 4 stars). 3 submissions from 3 submitters: Pathogenic (2); Likely pathogenic (1). Last evaluated 2025-11-18.

Conditions:
Arterial calcification, generalized, of infancy, 2. Identifiers: Orphanet 51608, MedGen C3276161, MONDO:0013768, OMIM 614473.
Autosomal recessive inherited pseudoxanthoma elasticum (PXE). Identifiers: Orphanet 758, MedGen CN032334, MONDO:0009925, OMIM 264800.
Pseudoxanthoma elasticum, forme fruste. Also called: Pseudoxanthoma Elasticum, Incomplete; PSEUDOXANTHOMA ELASTICUM, HETEROZYGOUS. Identifiers: Orphanet 758, MedGen C1867450, MONDO:0008333, OMIM 177850.

Submissions (3):

Labcorp Genetics (formerly Invitae), Labcorp
Classification: Pathogenic. Last evaluated: 2025-11-18. Review status: criteria provided, single submitter. Criteria: Invitae Variant Classification Sherloc (09022015). Collection method: clinical testing. Allele origin: germline.
Comment: This sequence change creates a premature translational stop signal (p.Glu559Argfs*4) in the ABCC6 gene. It is expected to result in an absent or disrupted protein product. Loss-of-function variants in ABCC6 are known to be pathogenic (PMID: 11536079, 17617515). This variant is not present in population databases (gnomAD no frequency). This premature translational stop signal has been observed in individual(s) with pseudoxanthoma elasticum (PMID: 18157818). ClinVar contains an entry for this variant (Variation ID: 433430). For these reasons, this variant has been classified as Pathogenic.

Fulgent Genetics
Classification: Pathogenic for Pseudoxanthoma elasticum, forme fruste; Autosomal recessive inherited pseudoxanthoma elasticum; Arterial calcification, generalized, of infancy, 2. Last evaluated: 2024-03-04. Review status: criteria provided, single submitter. Criteria: ACMG Guidelines, 2015. Collection method: clinical testing. Allele origin: germline.

PXE International
Classification: Likely pathogenic for Autosomal recessive inherited pseudoxanthoma elasticum. Last evaluated: 2021-03-02. Review status: criteria provided, single submitter. Criteria: Submitter's publication. Collection method: research. Allele origin: germline. Inheritance: Autosomal recessive inheritance. Affected: yes.

Literature cited by the submitters: PubMed 11536079 (cited by Labcorp Genetics (formerly Invitae), Labcorp); PubMed 17617515 (cited by Labcorp Genetics (formerly Invitae), Labcorp); PubMed 18157818 (cited by Labcorp Genetics (formerly Invitae), Labcorp).